The following is an entry in ClinVar:

NM_032242.4(PLXNA1):c.1619+1G>A

Gene: PLXNA1 (plexin A1; plus strand). Cytogenetic location: 3q21.3.
Variant type: single nucleotide variant.
Coding change: c.1619+1G>A on transcript NM_032242.4 (MANE Select); the canonical splice donor site of the intron after coding-DNA position 1619, G replaced by A.
Molecular consequence: splice donor variant.
Genome position (GRCh38, 1-based): chr3:127,004,712, G>A. VCF-style: chr3-127004712-G-A. GRCh37 (hg19) VCF-style: chr3-126723555-G-A.
Identifiers: ClinVar variation 4686785 (VCV004686785.1).
Genomic context (GRCh38, chr3:127,004,712, plus strand): 5'-CTGTGAGCTGTGTCTGGGGTCACGGGACCCCCACTGTGGCTGGTGTGTCCTGCACAGCAT[G>A]TGAGTCTGGGCAGGTGGGCAGGGGCAGGCGGGGAGGGCCATGGTGGTCTCACAGTGGGGG-3'

ClinVar aggregate classification (germline): Uncertain significance (1 of 4 stars; one submission).

gnomAD v4.1: 1 of 1,586,422 alleles (0.000063%); highest among the groups gnomAD compares: Non-Finnish European, 0.000086%; no homozygotes.

Submission:

GeneDx
Classification: Uncertain significance. Last evaluated: 2024-02-11. Review status: criteria provided, single submitter. Criteria: GeneDx Variant Classification Process June 2021. Collection method: clinical testing. Allele origin: germline. Affected: yes.
Comment: Not observed at significant frequency in large population cohorts (gnomAD); Canonical splice site variant in a gene or region of a gene for which loss of function is not a well-established mechanism of disease; Has not been previously published as pathogenic or benign to our knowledge; Variants in candidate genes are classified as variants of uncertain significance in accordance with ACMG guidelines (PMID: 25741868)